The following is an entry in ClinVar:

NM_012144.4(DNAI1):c.720G>T (p.Lys240Asn)

Gene: DNAI1 (dynein axonemal intermediate chain 1; plus strand). Cytogenetic location: 9p13.3.
Variant type: single nucleotide variant.
Coding change: c.720G>T on transcript NM_012144.4 (MANE Select); coding-DNA position 720, G replaced by T.
Protein change: p.Lys240Asn; replaces lysine 240 with asparagine.
Molecular consequence: missense variant.
Genome position (GRCh38, 1-based): chr9:34,493,232, G>T. VCF-style: chr9-34493232-G-T. GRCh37 (hg19) VCF-style: chr9-34493230-G-T.
Other names: c.732G>T, p.Lys244Asn (NM_001281428.2); short protein forms K240N, K244N.
Identifiers: ClinVar variation 582062 (VCV000582062.13), dbSNP rs999905460, ClinGen allele CA192632149.

ClinVar aggregate classification (germline): Uncertain significance. Review status: criteria provided, multiple submitters, no conflicts (2 of 4 stars). 3 submissions from 3 submitters: Uncertain significance (2). 1 of the submissions does not count toward it. Last evaluated 2026-08-03.

Conditions:
Kartagener syndrome (CILD1). Also called: CILIARY DYSKINESIA, PRIMARY, 1; CILIARY DYSKINESIA, PRIMARY, 1, WITH OR WITHOUT SITUS INVERSUS; IMMOTILE CILIA SYNDROME; POLYNESIAN BRONCHIECTASIS; Dextrocardia bronchiectasis and sinusitis; SIEWERT SYNDROME. Identifiers: Orphanet 244, MedGen C4551906, MONDO:0009484, OMIM 244400.
Primary ciliary dyskinesia. Also called: Ciliary dyskinesia. Identifiers: Orphanet 244, MedGen C0008780, MONDO:0016575, HP:0012265.

Allele frequency attached by ClinVar (database versions not stated): gnomAD 0.00004; TOPMed 0.00004.
gnomAD v4.1: 7 of 1,614,044 alleles (0.00043%); highest among the groups gnomAD compares: African/African-American, 0.008%; no homozygotes.

Submissions (3):

Myriad Genetics, Inc.
Classification: Uncertain significance for Kartagener syndrome. Last evaluated: 2026-08-03. Review status: criteria provided, single submitter. Criteria: Myriad Autosomal Dominant, Autosomal Recessive and X-Linked Classification Criteria (2023). Collection method: clinical testing. Allele origin: unknown.
Comment: NM_012144.2(DNAI1):c.720G>T(K240N) is a missense variant classified as a variant of uncertain significance in the context of primary ciliary dyskinesia, DNAI1-related. K240N has not been observed in cases with relevant disease. Relevant functional assessments of this variant are not available in the literature. K240N has not been observed in referenced population frequency databases. In summary, there is insufficient evidence to classify NM_012144.2(DNAI1):c.720G>T(K240N) as pathogenic or benign. Please note: this variant was assessed in the context of healthy population screening.

Labcorp Genetics (formerly Invitae), Labcorp
Classification: Uncertain significance for Primary ciliary dyskinesia. Last evaluated: 2022-08-09. Review status: criteria provided, single submitter. Criteria: Invitae Variant Classification Sherloc (09022015). Collection method: clinical testing. Allele origin: germline.
Comment: In summary, the available evidence is currently insufficient to determine the role of this variant in disease. Therefore, it has been classified as a Variant of Uncertain Significance. Algorithms developed to predict the effect of sequence changes on RNA splicing suggest that this variant may disrupt the consensus splice site. Algorithms developed to predict the effect of missense changes on protein structure and function (SIFT, PolyPhen-2, Align-GVGD) all suggest that this variant is likely to be tolerated. ClinVar contains an entry for this variant (Variation ID: 582062). This variant has not been reported in the literature in individuals affected with DNAI1-related conditions. This variant is present in population databases (no rsID available, gnomAD 0.01%). This sequence change replaces lysine, which is basic and polar, with asparagine, which is neutral and polar, at codon 240 of the DNAI1 protein (p.Lys240Asn).

Natera, Inc.
Classification: Uncertain significance for Primary ciliary dyskinesia. Last evaluated: 2021-05-20. Review status: no assertion criteria provided. Collection method: clinical testing. Allele origin: germline. Not counted in ClinVar's aggregate classification.